The following is an entry in ClinVar:

ClinVar aggregate classification (germline): Benign/Likely benign. Review status: criteria provided, multiple submitters, no conflicts (2 of 4 stars). 7 submissions from 7 submitters: Benign (3); Likely benign (3). 1 of the submissions does not count toward it. Last evaluated 2026-01-20.

Conditions:
RAI1-related disorder. Also called: RAI1-related condition.
Inborn genetic diseases. Identifiers: MedGen C0950123, MeSH D030342.

Allele frequency attached by ClinVar (database versions not stated): ESP Exome Variant Server 0.00008; gnomAD 0.00015 and 0.00016; TOPMed 0.00019.
gnomAD v4.1: 141 of 1,613,046 alleles (0.0087%); highest among the groups gnomAD compares: Admixed American, 0.078%; no homozygotes.

Submissions (7):

Labcorp Genetics (formerly Invitae), Labcorp
Classification: Likely benign. Last evaluated: 2026-01-20. Review status: criteria provided, single submitter. Criteria: Invitae Variant Classification Sherloc (09022015). Collection method: clinical testing. Allele origin: germline.

Blueprint Genetics
Classification: Likely benign. Last evaluated: 2022-05-23. Review status: criteria provided, single submitter. Criteria: ACMG Guidelines, 2015. Collection method: clinical testing. Allele origin: germline.

Ambry Genetics
Classification: Likely benign for Inborn genetic diseases. Last evaluated: 2020-03-22. Review status: criteria provided, single submitter. Criteria: Ambry Variant Classification Scheme 2023. Collection method: clinical testing. Allele origin: germline.

GeneDx
Classification: Benign. Last evaluated: 2019-09-09. Review status: criteria provided, single submitter. Criteria: GeneDx Variant Classification Process June 2021. Collection method: clinical testing. Allele origin: germline. Affected: yes.

Genetic Services Laboratory, University of Chicago
Classification: Benign. Last evaluated: 2019-04-01. Review status: criteria provided, single submitter. Criteria: ACMG Guidelines, 2015. Collection method: clinical testing. Allele origin: germline. Affected: no.

Athena Diagnostics
Classification: Benign. Last evaluated: 2018-10-02. Review status: criteria provided, single submitter. Criteria: Athena Diagnostics Criteria. Collection method: clinical testing. Allele origin: germline.

PreventionGenetics, part of Exact Sciences
Classification: Likely benign for RAI1-related condition. Last evaluated: 2020-02-07. Review status: no assertion criteria provided. Collection method: clinical testing. Allele origin: germline. Not counted in ClinVar's aggregate classification.
Comment: This variant is classified as likely benign based on ACMG/AMP sequence variant interpretation guidelines (Richards et al. 2015 PMID: 25741868, with internal and published modifications).

NM_030665.4(RAI1):c.214G>A (p.Ala72Thr)

Gene: RAI1 (retinoic acid induced 1; plus strand). Cytogenetic location: 17p11.2.
Variant type: single nucleotide variant.
Coding change: c.214G>A on transcript NM_030665.4 (MANE Select); coding-DNA position 214, G replaced by A.
Protein change: p.Ala72Thr; replaces alanine 72 with threonine.
Molecular consequence: missense variant.
Genome position (GRCh38, 1-based): chr17:17,793,162, G>A. VCF-style: chr17-17793162-G-A. GRCh37 (hg19) VCF-style: chr17-17696476-G-A.
Other names: short protein forms A72T.
Identifiers: ClinVar variation 212004 (VCV000212004.62), dbSNP rs370671656, ClinGen allele CA205889.
Genomic context (GRCh38, chr17:17,793,162, plus strand): 5'-AACCCGCAGCCTTACCCGAGCTATGAGGGTGGCGCTGGCACGCCCTCTGGCACTGCAGCC[G>A]CGGTGGCCGCCGACAAGTACCACCGAGGCAGCAAGGCCCTGCCCACACAGCAAGGCCTGC-3'
Protein context (NP_109590.3, residues 62-82): GAGTPSGTAA[Ala72Thr]VAADKYHRGS